The following is an entry in ClinVar:

ClinVar aggregate classification (germline): Uncertain significance (1 of 4 stars; one submission).

Conditions:
Microcephaly-intellectual disability-sensorineural hearing loss-epilepsy-abnormal muscle tone syndrome (NEDHSB). Also called: NEURODEVELOPMENTAL DISORDER WITH HEARING LOSS, SEIZURES, AND BRAIN ABNORMALITIES. Identifiers: Orphanet 457351, MedGen C4225276, MONDO:0014698, OMIM 616577.

Allele frequency attached by ClinVar (database versions not stated): gnomAD exomes below 0.00001 and 0.00001; gnomAD 0.00001; TOPMed 0.00001.
gnomAD v4.1: 12 of 1,613,814 alleles (0.00074%); highest among the groups gnomAD compares: Middle Eastern, 0.016%; no homozygotes.

Submission:

Labcorp Genetics (formerly Invitae), Labcorp
Classification: Uncertain significance for Microcephaly-intellectual disability-sensorineural hearing loss-epilepsy-abnormal muscle tone syndrome. Last evaluated: 2022-02-05. Review status: criteria provided, single submitter. Criteria: Invitae Variant Classification Sherloc (09022015). Collection method: clinical testing. Allele origin: germline.
Comment: This sequence change replaces arginine, which is basic and polar, with cysteine, which is neutral and slightly polar, at codon 774 of the SPATA5 protein (p.Arg774Cys). This variant is present in population databases (no rsID available, gnomAD 0.003%). This variant has not been reported in the literature in individuals affected with SPATA5-related conditions. ClinVar contains an entry for this variant (Variation ID: 953564). Advanced modeling of protein sequence and biophysical properties (such as structural, functional, and spatial information, amino acid conservation, physicochemical variation, residue mobility, and thermodynamic stability) performed at Invitae indicates that this missense variant is expected to disrupt SPATA5 protein function. In summary, the available evidence is currently insufficient to determine the role of this variant in disease. Therefore, it has been classified as a Variant of Uncertain Significance.

NM_145207.3(AFG2A):c.2320C>T (p.Arg774Cys)

Gene: AFG2A (AFG2 AAA ATPase homolog A; plus strand). Cytogenetic location: 4q28.1.
Variant type: single nucleotide variant.
Coding change: c.2320C>T on transcript NM_145207.3 (MANE Select); coding-DNA position 2320, C replaced by T.
Protein change: p.Arg774Cys; replaces arginine 774 with cysteine.
Molecular consequence: missense variant.
Genome position (GRCh38, 1-based): chr4:123,090,685, C>T. VCF-style: chr4-123090685-C-T. GRCh37 (hg19) VCF-style: chr4-124011840-C-T.
Other names: c.2317C>T, p.Arg773Cys (NM_001345856.2); short protein forms R774C, R773C.
Identifiers: ClinVar variation 953564 (VCV000953564.3), dbSNP rs1430304976, ClinGen allele CA358230445.
Genomic context (GRCh38, chr4:123,090,685, plus strand): 5'-TTAACAGAAATGGATGGGATTGAACAGCTAAAGGATGTGACCATTTTGGCAGCTACTAAC[C>T]GTCCAGATAGGATAGACAAGGTAAGAGAGAAGGCATTGTGGATATTATAAAATCAAGAAC-3'
Protein context (NP_660208.2, residues 764-784): KDVTILAATN[Arg774Cys]PDRIDKALMR